The following is an entry in ClinVar:

NM_173352.4(KRT78):c.543G>A (p.Gly181=)

Gene: KRT78 (keratin 78; minus strand). Cytogenetic location: 12q13.13.
Variant type: single nucleotide variant.
Coding change: c.543G>A on transcript NM_173352.4 (MANE Select); coding-DNA position 543, G replaced by A.
Protein change: p.Gly181=; no amino-acid change (glycine 181 retained).
Molecular consequence: synonymous variant.
Genome position (GRCh38, 1-based): chr12:52,847,963, C>T on the plus strand (G>A on the coding strand, the complement: KRT78 is on the minus strand). VCF-style: chr12-52847963-C-T. GRCh37 (hg19) VCF-style: chr12-53241747-C-T.
Other names: c.213G>A, p.Gly71= (NM_001300814.1).
Identifiers: ClinVar variation 2643036 (VCV002643036.24), dbSNP rs376822177, ClinGen allele CA6589974.
Genomic context (GRCh38, chr12:52,847,963, plus strand): 5'-CTACTTGGACTTATACTCCTCCTCCTGGTCCCGGCAGGCCTTCAACTCAGCATCCAGAGC[C>T]CCTCGTTCTCCCTGGAGCTGCTCCAGCTGCTTCCTGAGCTGATCCAGGCAGGCCTCAAAG-3'
Protein context (NP_775487.2, residues 171-191): KQLEQLQGER[Gly181=]ALDAELKACR

ClinVar aggregate classification (germline): Likely benign (1 of 4 stars; one submission).

Allele frequency attached by ClinVar (database versions not stated): ESP Exome Variant Server 0.00008; gnomAD 0.00009; gnomAD exomes 0.00010; TOPMed 0.00011; ExAC 0.00018.

Submission:

CeGaT Center for Human Genetics Tuebingen
Classification: Likely benign. Last evaluated: 2022-04-01. Review status: criteria provided, single submitter. Criteria: CeGaT Center For Human Genetics Tuebingen Variant Classification Criteria Version 2. Collection method: clinical testing. Allele origin: germline. Affected: yes. Observed: 1 variant allele.
Comment: KRT78: BP4, BP7